The following is an entry in ClinVar:

ClinVar aggregate classification (germline): Uncertain significance (1 of 4 stars; one submission).

Conditions:
Hereditary cancer-predisposing syndrome. Also called: Neoplastic Syndromes, Hereditary; Tumor predisposition; Hereditary Cancer Syndrome; Hereditary neoplastic syndrome. Identifiers: Orphanet 140162, MedGen C0027672, MeSH D009386, MONDO:0015356.

Submission:

Ambry Genetics
Classification: Uncertain significance for Hereditary cancer-predisposing syndrome. Last evaluated: 2025-10-21. Review status: criteria provided, single submitter. Criteria: Ambry Variant Classification Scheme 2023. Collection method: clinical testing. Allele origin: germline.
Comment: The p.R762G variant (also known as c.2284C>G), located in coding exon 20 of the POLE gene, results from a C to G substitution at nucleotide position 2284. The arginine at codon 762 is replaced by glycine, an amino acid with dissimilar properties. This amino acid position is highly conserved in available vertebrate species. In addition, the in silico prediction for this alteration is inconclusive. Based on the available evidence, the clinical significance of this variant remains unclear.

NM_006231.4(POLE):c.2284C>G (p.Arg762Gly)

Gene: POLE (DNA polymerase epsilon, catalytic subunit; minus strand). Cytogenetic location: 12q24.33.
Variant type: single nucleotide variant.
Coding change: c.2284C>G on transcript NM_006231.4 (MANE Select); coding-DNA position 2284, C replaced by G.
Protein change: p.Arg762Gly; replaces arginine 762 with glycine.
Molecular consequence: missense variant.
Genome position (GRCh38, 1-based): chr12:132,667,538, G>C on the plus strand (C>G on the coding strand, the complement: POLE is on the minus strand). VCF-style: chr12-132667538-G-C. GRCh37 (hg19) VCF-style: chr12-133244124-G-C.
Other names: short protein forms R762G.
Identifiers: ClinVar variation 4672005 (VCV004672005.1).